The following is an entry in ClinVar:

ClinVar aggregate classification (germline): Uncertain significance (1 of 4 stars; one submission).

gnomAD v4.1: 1 of 1,613,964 alleles (0.000062%); no homozygotes.

Submission:

Labcorp Genetics (formerly Invitae), Labcorp
Classification: Uncertain significance. Last evaluated: 2024-06-26. Review status: criteria provided, single submitter. Criteria: Invitae Variant Classification Sherloc (09022015). Collection method: clinical testing. Allele origin: germline.
Comment: This sequence change replaces threonine, which is neutral and polar, with alanine, which is neutral and non-polar, at codon 197 of the HOXD13 protein (p.Thr197Ala). This variant is not present in population databases (gnomAD no frequency). This variant has not been reported in the literature in individuals affected with HOXD13-related conditions. Advanced modeling of protein sequence and biophysical properties (such as structural, functional, and spatial information, amino acid conservation, physicochemical variation, residue mobility, and thermodynamic stability) performed at Invitae indicates that this missense variant is not expected to disrupt HOXD13 protein function with a negative predictive value of 80%. In summary, the available evidence is currently insufficient to determine the role of this variant in disease. Therefore, it has been classified as a Variant of Uncertain Significance.

NM_000523.4(HOXD13):c.589A>G (p.Thr197Ala)

Gene: HOXD13 (homeobox D13; plus strand). Cytogenetic location: 2q31.1.
Variant type: single nucleotide variant.
Coding change: c.589A>G on transcript NM_000523.4 (MANE Select); coding-DNA position 589, A replaced by G.
Protein change: p.Thr197Ala; replaces threonine 197 with alanine.
Molecular consequence: missense variant.
Genome position (GRCh38, 1-based): chr2:176,093,479, A>G. VCF-style: chr2-176093479-A-G. GRCh37 (hg19) VCF-style: chr2-176958207-A-G.
Other names: short protein forms T197A.
Identifiers: ClinVar variation 3657877 (VCV003657877.2).